The following is an entry in ClinVar:

NM_001005242.3(PKP2):c.1139A>C (p.Glu380Ala)

Gene: PKP2 (plakophilin 2; minus strand). Cytogenetic location: 12p11.21.
Variant type: single nucleotide variant.
Coding change: c.1139A>C on transcript NM_001005242.3 (MANE Select); coding-DNA position 1139, A replaced by C.
Protein change: p.Glu380Ala; replaces glutamic acid 380 with alanine.
Molecular consequence: missense variant.
Genome position (GRCh38, 1-based): chr12:32,868,958, T>G on the plus strand (A>C on the coding strand, the complement: PKP2 is on the minus strand). VCF-style: chr12-32868958-T-G. GRCh37 (hg19) VCF-style: chr12-33021892-T-G.
Other names: c.1139A>C, p.Glu380Ala (NM_001407155.1, NM_001407156.1, NM_001407157.1 and 2 more transcripts); c.812A>C, p.Glu271Ala (NM_001407158.1, NM_001407159.1, NM_001407160.1 and 1 more transcripts); short protein forms E380A, E271A.
Identifiers: ClinVar variation 2800154 (VCV002800154.4), dbSNP rs2541322120, ClinGen allele CA384359123.

ClinVar aggregate classification (germline): Uncertain significance. Review status: criteria provided, multiple submitters, no conflicts (2 of 4 stars). 2 submissions from 2 submitters: Uncertain significance (2). Last evaluated 2024-07-17.

Conditions:
Cardiovascular phenotype. Identifiers: MedGen CN230736.
Arrhythmogenic right ventricular dysplasia 9 (ARVD9). Also called: Arrhythmogenic Right Ventricular Dysplasia/Cardiomyopathy 9; ARRHYTHMOGENIC RIGHT VENTRICULAR DYSPLASIA, FAMILIAL, 9. Identifiers: MedGen C1836906, MONDO:0012180, OMIM 609040.

Submissions (2):

Ambry Genetics
Classification: Uncertain significance for Cardiovascular phenotype. Last evaluated: 2024-07-17. Review status: criteria provided, single submitter. Criteria: Ambry Variant Classification Scheme 2023. Collection method: clinical testing. Allele origin: germline.
Comment: The p.E380A variant (also known as c.1139A>C), located in coding exon 4 of the PKP2 gene, results from an A to C substitution at nucleotide position 1139. The glutamic acid at codon 380 is replaced by alanine, an amino acid with dissimilar properties. This amino acid position is conserved. In addition, this alteration is predicted to be tolerated by in silico analysis. Based on the available evidence, the clinical significance of this variant remains unclear.

Labcorp Genetics (formerly Invitae), Labcorp
Classification: Uncertain significance for Arrhythmogenic right ventricular dysplasia 9. Last evaluated: 2023-08-22. Review status: criteria provided, single submitter. Criteria: Invitae Variant Classification Sherloc (09022015). Collection method: clinical testing. Allele origin: germline.
Comment: This sequence change replaces glutamic acid, which is acidic and polar, with alanine, which is neutral and non-polar, at codon 380 of the PKP2 protein (p.Glu380Ala). This variant is not present in population databases (gnomAD no frequency). This variant has not been reported in the literature in individuals affected with PKP2-related conditions. An algorithm developed to predict the effect of missense changes on protein structure and function (PolyPhen-2) suggests that this variant is likely to be disruptive. In summary, the available evidence is currently insufficient to determine the role of this variant in disease. Therefore, it has been classified as a Variant of Uncertain Significance.